The following is an entry in ClinVar:

NM_001040716.2(PC):c.2469C>T (p.Asp823=)

Gene: PC (pyruvate carboxylase; minus strand). Cytogenetic location: 11q13.2.
Variant type: single nucleotide variant.
Coding change: c.2469C>T on transcript NM_001040716.2 (MANE Select); coding-DNA position 2469, C replaced by T.
Protein change: p.Asp823=; no amino-acid change (aspartic acid 823 retained).
Molecular consequence: synonymous variant.
Genome position (GRCh38, 1-based): chr11:66,850,678, G>A on the plus strand (C>T on the coding strand, the complement: PC is on the minus strand). VCF-style: chr11-66850678-G-A. GRCh37 (hg19) VCF-style: chr11-66618149-G-A.
Other names: c.2469C>T, p.Asp823= (NM_000920.4, NM_022172.3).
Identifiers: ClinVar variation 618262 (VCV000618262.47), dbSNP rs145654496, ClinGen allele CA6131078.

ClinVar aggregate classification (germline): Conflicting classifications of pathogenicity. Review status: criteria provided, conflicting classifications (1 of 4 stars). 5 submissions from 5 submitters: Uncertain significance (1); Likely benign (3). 1 of the submissions does not count toward it. Last evaluated 2026-01-13.

Conditions:
PC-related disorder. Also called: PC-related condition.
Pyruvate carboxylase deficiency. Also called: LEIGH NECROTIZING ENCEPHALOPATHY DUE TO PYRUVATE CARBOXYLASE DEFICIENCY; LEIGH SYNDROME DUE TO PYRUVATE CARBOXYLASE DEFICIENCY; PC DEFICIENCY; ATAXIA WITH LACTIC ACIDOSIS II; Pyruvate Carboxylase Deficiency Disease. Identifiers: Orphanet 3008, MedGen C0034341, MONDO:0009949, OMIM 266150.

Allele frequency attached by ClinVar (database versions not stated): gnomAD exomes 0.00006 and 0.00005; ExAC 0.00003; gnomAD 0.00005; TOPMed 0.00007; ESP Exome Variant Server 0.00008.
gnomAD v4.1: 79 of 1,608,988 alleles (0.0049%); highest among the groups gnomAD compares: Non-Finnish European, 0.0067%; no homozygotes.

Submissions (5):

Labcorp Genetics (formerly Invitae), Labcorp
Classification: Likely benign for Pyruvate carboxylase deficiency. Last evaluated: 2026-01-13. Review status: criteria provided, single submitter. Criteria: Invitae Variant Classification Sherloc (09022015). Collection method: clinical testing. Allele origin: germline.

GeneDx
Classification: Uncertain significance. Last evaluated: 2024-08-06. Review status: criteria provided, single submitter. Criteria: GeneDx Variant Classification Process June 2021. Collection method: clinical testing. Allele origin: germline. Affected: yes.
Comment: Not observed at significant frequency in large population cohorts (gnomAD); In silico analysis indicates that this variant does not alter splicing; Has not been previously published as pathogenic or benign to our knowledge

CeGaT Center for Human Genetics Tuebingen
Classification: Likely benign. Last evaluated: 2023-05-01. Review status: criteria provided, single submitter. Criteria: CeGaT Center For Human Genetics Tuebingen Variant Classification Criteria Version 2. Collection method: clinical testing. Allele origin: germline. Affected: yes. Observed: 1 variant allele.
Comment: PC: BP4, BP7

ARUP Laboratories, Molecular Genetics and Genomics, ARUP Laboratories
Classification: Likely benign. Last evaluated: 2018-05-11. Review status: criteria provided, single submitter. Criteria: ARUP Molecular Germline Variant Investigation Process. Collection method: clinical testing. Allele origin: germline.
Comment: The c.2469C>T; p.Asp823Asp variant (rs145654496) does not alter the amino acid sequence of the PC protein and computational splice site prediction algorithms do not predict a change in the nearest splice site or creation of a cryptic splice site. This variant has not been reported in association with mitochondrial disease in medical literature or in gene specific variation databases. This variant is listed in the genome Aggregation Database (gnomAD) with an overall population frequency of 0.02% (identified on 21 out of 125,498 chromosomes). Based on the available information, the c.2469C>T variant is likely to be benign.

PreventionGenetics, part of Exact Sciences
Classification: Likely benign for PC-related condition. Last evaluated: 2024-08-11. Review status: no assertion criteria provided. Collection method: clinical testing. Allele origin: germline. Not counted in ClinVar's aggregate classification.
Comment: This variant is classified as likely benign based on ACMG/AMP sequence variant interpretation guidelines (Richards et al. 2015 PMID: 25741868, with internal and published modifications).